The following is an entry in ClinVar:

NM_001386795.1(DTNA):c.1435-19T>C

Gene: DTNA (dystrobrevin alpha; plus strand). Cytogenetic location: 18q12.1.
Variant type: single nucleotide variant.
Coding change: c.1435-19T>C on transcript NM_001386795.1 (MANE Select); 19 bases into the intron before coding-DNA position 1435, T replaced by C.
Molecular consequence: intron variant.
Genome position (GRCh38, 1-based): chr18:34,851,812, T>C. VCF-style: chr18-34851812-T-C. GRCh37 (hg19) VCF-style: chr18-32431776-T-C.
Other names: c.1183-19T>C (NM_032975.4, NM_001386761.1, NM_032979.5); c.1183-22T>C (NM_001386762.1); c.1264-19T>C (NM_001386754.1, NM_001386755.1, NM_001386757.1 and 4 more transcripts); c.1264-22T>C (NM_001386760.1); c.1174-19T>C (NM_001386763.1, NM_001386764.1, NM_001386771.1 and 9 more transcripts); c.1174-22T>C (NM_001386768.1, NM_001386773.1, NM_001386769.1 and 1 more transcripts); c.604-19T>C (NM_001198945.2); c.1435-19T>C (NM_001386788.1); and 7 more.
Identifiers: ClinVar variation 377815 (VCV000377815.15), dbSNP rs141620769, ClinGen allele CA8935723.

ClinVar aggregate classification (germline): Benign/Likely benign. Review status: criteria provided, multiple submitters, no conflicts (2 of 4 stars). 6 submissions from 6 submitters: Benign (3); Likely benign (1). 2 of the submissions do not count toward it. Last evaluated 2026-02-01.

Conditions:
Left ventricular noncompaction 1 (LVNC1). Also called: LEFT VENTRICULAR NONCOMPACTION 1 WITH OR WITHOUT CONGENITAL HEART DEFECTS. Identifiers: Orphanet 54260, MedGen C1858725, MONDO:0011403, OMIM 604169.

Allele frequency attached by ClinVar (database versions not stated): gnomAD exomes 0.00023 and 0.00071; 1000 Genomes Project 0.00040; 1000 Genomes Project 30x 0.00047; ExAC 0.00076; ESP Exome Variant Server 0.00246; gnomAD 0.00294 and 0.00328; TOPMed 0.00314.
gnomAD v4.1: 801 of 1,612,440 alleles (0.05%); highest among the groups gnomAD compares: African/African-American, 0.95%; 4 homozygotes.

Submissions (6):

Labcorp Genetics (formerly Invitae), Labcorp
Classification: Benign for Left ventricular noncompaction 1. Last evaluated: 2026-02-01. Review status: criteria provided, single submitter. Criteria: Invitae Variant Classification Sherloc (09022015). Collection method: clinical testing. Allele origin: germline.

Blueprint Genetics
Classification: Likely benign. Last evaluated: 2024-11-25. Review status: criteria provided, single submitter. Criteria: ACMG Guidelines, 2015. Collection method: clinical testing. Allele origin: germline.

Women's Health and Genetics/Laboratory Corporation of America, LabCorp
Classification: Benign. Last evaluated: 2019-08-19. Review status: criteria provided, single submitter. Criteria: LabCorp Variant Classification Summary - May 2015. Collection method: clinical testing. Allele origin: germline.
Comment: Variant summary: DTNA c.1354-19T>C alters a non-conserved nucleotide located close to a canonical splice site and therefore could affect mRNA splicing, leading to a significantly altered protein sequence. 4/5 computational tools predict no significant impact on normal splicing. However, these predictions have yet to be confirmed by functional studies. The variant allele was found at a frequency of 0.00096 in 282220 control chromosomes in the gnomAD database, including 1 homozygotes. The observed variant frequency is approximately 38 fold of the estimated maximal expected allele frequency for a pathogenic variant in DTNA causing Cardiomyopathy phenotype (2.5e-05), strongly suggesting that the variant is benign. To our knowledge, no occurrence of c.1354-19T>C in individuals affected with Cardiomyopathy and no experimental evidence demonstrating its impact on protein function have been reported. One submitter has submitted clinical-significance assessments for this variant to ClinVar after 2014 and classified the variant as benign. Based on the evidence outlined above, the variant was classified as benign.

GeneDx
Classification: Benign. Last evaluated: 2015-06-24. Review status: criteria provided, single submitter. Criteria: GeneDx Variant Classification (06012015). Collection method: clinical testing. Allele origin: germline. Affected: yes.
Comment: This variant is considered likely benign or benign based on one or more of the following criteria: it is a conservative change, it occurs at a poorly conserved position in the protein, it is predicted to be benign by multiple in silico algorithms, and/or has population frequency not consistent with disease.

Diagnostic Laboratory, Department of Genetics, University Medical Center Groningen
Classification: Likely benign. Review status: no assertion criteria provided. Collection method: clinical testing. Allele origin: germline. Affected: yes. Study: VKGL Data-share Consensus. Not counted in ClinVar's aggregate classification.

Genome Diagnostics Laboratory, University Medical Center Utrecht
Classification: Benign. Review status: no assertion criteria provided. Collection method: clinical testing. Allele origin: germline. Affected: yes. Study: VKGL Data-share Consensus. Not counted in ClinVar's aggregate classification.